The following is an entry in ClinVar:

NM_021625.5(TRPV4):c.*190C>T

Gene: TRPV4 (transient receptor potential cation channel subfamily V member 4; minus strand). Cytogenetic location: 12q24.11.
Variant type: single nucleotide variant.
Coding change: c.*190C>T on transcript NM_021625.5 (MANE Select); 190 bases downstream of the stop codon, C replaced by T.
Molecular consequence: 3 prime UTR variant.
Genome position (GRCh38, 1-based): chr12:109,783,431, G>A on the plus strand (C>T on the coding strand, the complement: TRPV4 is on the minus strand). VCF-style: chr12-109783431-G-A. GRCh37 (hg19) VCF-style: chr12-110221236-G-A.
Other names: c.*190C>T (NM_001177428.2, NM_001177431.2, NM_001177433.2 and 1 more transcripts).
Identifiers: ClinVar variation 882982 (VCV000882982.4), dbSNP rs141636597, ClinGen allele CA243493760.
Genomic context (GRCh38, chr12:109,783,431, plus strand): 5'-CTGAGGTGGAGGGGCTCTGGCGTTGGCTTATGTGACTCCATAGGAGCAAGACAGGTGGCC[G>A]GGAGCCCCCACCCCAGGGTGGGGAGGCAGAGCCAGGGGACCACAGGGTCCTGGGGCCTCC-3'

ClinVar aggregate classification (germline): Benign. Review status: criteria provided, single submitter (1 of 4 stars). 6 submissions from 1 submitter: Benign (6). Last evaluated 2018-01-13.

Conditions:
Charcot-Marie-Tooth disease axonal type 2C (HMSN2C). Also called: Charcot-Marie-Tooth Disease Type 2, TRPV4-Related (CMT2C); CHARCOT-MARIE-TOOTH DISEASE, AXONAL, AUTOSOMAL DOMINANT, TYPE 2C; Charcot-Marie-Tooth Neuropathy Type 2C. Identifiers: Orphanet 99937, MedGen C1853710, MONDO:0011633, OMIM 606071.
Neuronopathy, distal hereditary motor, autosomal dominant 8. Also called: SPINAL MUSCULAR ATROPHY, CONGENITAL BENIGN, WITH CONTRACTURES; NEURONOPATHY, DISTAL HEREDITARY MOTOR, TYPE VIII; NEUROPATHY, DISTAL HEREDITARY MOTOR, TYPE VIII; Autosomal dominant congenital benign spinal muscular atrophy. Identifiers: Orphanet 1216, MedGen C1838492, MONDO:0010839, OMIM 600175.
Metatropic dysplasia (MTD). Also called: METATROPIC DWARFISM; Metatropic dysplasia, nonlethal dominant; Metatropic Dysplasia, TRPV4-Related. Identifiers: Orphanet 2635, MedGen C0265281, MONDO:0007986, OMIM 156530.
Spondylometaphyseal dysplasia, Kozlowski type (SMDK). Also called: Spondylometaphyseal Dysplasia, TRPV4-Related (Kozlowski Type); Dysmorphism arthrogryposis skeletal maturation advanced; Jequier-Kozlowski syndrome; Skeletal dysplasia Jequier-Kozlowski type; SMD Kozlowski type. Identifiers: Orphanet 93314, MedGen C0265280, MONDO:0008477, OMIM 184252.
Brachyrachia (short spine dysplasia) (BCYM3). Also called: BRACHYRACHIA; Brachyolmia Type 3; Brachyolmia, TRPV4-Related; Autosomal dominant brachyolmia. Identifiers: Orphanet 93304, MedGen C0432227, MONDO:0007232, OMIM 113500.
Scapuloperoneal spinal muscular atrophy (SPSMA). Also called: Scapuloperoneal Form of Spinal Muscular Atrophy; Scapuloperoneal spinal muscular atrophy, autosomal dominant; AMYOTROPHY, NEUROGENIC SCAPULOPERONEAL, NEW ENGLAND TYPE; Scapuloperoneal Spinal Muscular Atrophy, TRPV4-Related. Identifiers: Orphanet 431255, MedGen C0751335, MONDO:0008408, OMIM 181405.

Allele frequency attached by ClinVar (database versions not stated): 1000 Genomes Project 0.00040; 1000 Genomes Project 30x 0.00047; gnomAD exomes 0.00055; TOPMed 0.00065; gnomAD 0.00072 and 0.00077.
gnomAD v4.1: 418 of 692,592 alleles (0.06%); highest among the groups gnomAD compares: Admixed American, 0.18%; 1 homozygote.

Submissions (6):

Illumina Laboratory Services, Illumina
Classification: Benign for Metatropic dysplasia. Last evaluated: 2018-01-13. Review status: criteria provided, single submitter. Criteria: ICSL Variant Classification Criteria 13 December 2019. Collection method: clinical testing. Allele origin: germline.
Comment: This variant was observed in the ICSL laboratory as part of a predisposition screen in an ostensibly healthy population. It had not been previously curated by ICSL or reported in the Human Gene Mutation Database (HGMD: prior to June 1st, 2018), and was therefore a candidate for classification through an automated scoring system. Utilizing variant allele frequency, disease prevalence and penetrance estimates, and inheritance mode, an automated score was calculated to assess if this variant is too frequent to cause the disease. Based on the score and internal cut-off values, a variant classified as benign is not then subjected to further curation. The score for this variant resulted in a classification of benign for this disease.

Illumina Laboratory Services, Illumina
Classification: Benign for Spondylometaphyseal dysplasia, Kozlowski type. Last evaluated: 2018-01-13. Review status: criteria provided, single submitter. Criteria: ICSL Variant Classification Criteria 13 December 2019. Collection method: clinical testing. Allele origin: germline.
Comment: the same text as in the submission from Illumina Laboratory Services, Illumina above.

Illumina Laboratory Services, Illumina
Classification: Benign for Brachyrachia (short spine dysplasia). Last evaluated: 2018-01-13. Review status: criteria provided, single submitter. Criteria: ICSL Variant Classification Criteria 13 December 2019. Collection method: clinical testing. Allele origin: germline.
Comment: the same text as in the submission from Illumina Laboratory Services, Illumina above.

Illumina Laboratory Services, Illumina
Classification: Benign for Charcot-Marie-Tooth disease axonal type 2C. Last evaluated: 2018-01-13. Review status: criteria provided, single submitter. Criteria: ICSL Variant Classification Criteria 13 December 2019. Collection method: clinical testing. Allele origin: germline.
Comment: the same text as in the submission from Illumina Laboratory Services, Illumina above.

Illumina Laboratory Services, Illumina
Classification: Benign for Scapuloperoneal spinal muscular atrophy. Last evaluated: 2018-01-13. Review status: criteria provided, single submitter. Criteria: ICSL Variant Classification Criteria 13 December 2019. Collection method: clinical testing. Allele origin: germline.
Comment: the same text as in the submission from Illumina Laboratory Services, Illumina above.

Illumina Laboratory Services, Illumina
Classification: Benign for Neuronopathy, distal hereditary motor, autosomal dominant 8. Last evaluated: 2018-01-13. Review status: criteria provided, single submitter. Criteria: ICSL Variant Classification Criteria 13 December 2019. Collection method: clinical testing. Allele origin: germline.
Comment: the same text as in the submission from Illumina Laboratory Services, Illumina above.